The following is an entry in ClinVar:

NM_182961.4(SYNE1):c.5088T>G (p.Leu1696=)

Gene: SYNE1 (spectrin repeat containing nuclear envelope protein 1; minus strand). Cytogenetic location: 6q25.2.
Variant type: single nucleotide variant.
Coding change: c.5088T>G on transcript NM_182961.4 (MANE Select); coding-DNA position 5088, T replaced by G.
Protein change: p.Leu1696=; no amino-acid change (leucine 1696 retained).
Molecular consequence: synonymous variant.
Genome position (GRCh38, 1-based): chr6:152,427,705, A>C on the plus strand (T>G on the coding strand, the complement: SYNE1 is on the minus strand). VCF-style: chr6-152427705-A-C. GRCh37 (hg19) VCF-style: chr6-152748840-A-C.
Other names: c.5109T>G (NM_033071.3); c.5109T>G, p.Leu1703= (NM_033071.5).
Identifiers: ClinVar variation 1115646 (VCV001115646.11), dbSNP rs767477486, ClinGen allele CA4058378.

ClinVar aggregate classification (germline): Likely benign. Review status: criteria provided, single submitter (1 of 4 stars). 2 submissions from 2 submitters: Likely benign (1). 1 of the submissions does not count toward it. Last evaluated 2020-07-12.

Conditions:
SYNE1-related disorder. Also called: SYNE1-related disorders; SYNE1-related disease; SYNE1-related condition.
Autosomal recessive ataxia, Beauce type. Also called: Spinocerebellar ataxia, autosomal recessive 8; ATAXIA, RECESSIVE, OF BEAUCE; SYNE1-Related Autosomal Recessive Cerebellar Ataxia; SYNE1 Deficiency. Identifiers: Orphanet 88644, MedGen C1853116, MONDO:0012549, OMIM 610743.
Emery-Dreifuss muscular dystrophy 4, autosomal dominant (EDMD4). Also called: EMERY-DREIFUSS MUSCULAR DYSTROPHY 4 WITH VARIABLE FEATURES. Identifiers: Orphanet 261, MedGen C2751807, MONDO:0013071, OMIM 612998.

Allele frequency attached by ClinVar (database versions not stated): ExAC 0.00002; gnomAD exomes 0.00002 and 0.00001; gnomAD 0.00001; TOPMed 0.00001.
gnomAD v4.1: 14 of 1,614,004 alleles (0.00087%); highest among the groups gnomAD compares: Non-Finnish European, 0.0012%; no homozygotes.

Submissions (2):

Labcorp Genetics (formerly Invitae), Labcorp
Classification: Likely benign for Emery-Dreifuss muscular dystrophy 4, autosomal dominant; Autosomal recessive ataxia, Beauce type. Last evaluated: 2020-07-12. Review status: criteria provided, single submitter. Criteria: Invitae Variant Classification Sherloc (09022015). Collection method: clinical testing. Allele origin: germline.

PreventionGenetics, part of Exact Sciences
Classification: Likely benign for SYNE1-related condition. Last evaluated: 2019-08-09. Review status: no assertion criteria provided. Collection method: clinical testing. Allele origin: germline. Not counted in ClinVar's aggregate classification.
Comment: This variant is classified as likely benign based on ACMG/AMP sequence variant interpretation guidelines (Richards et al. 2015 PMID: 25741868, with internal and published modifications).